The following is an entry in ClinVar:

NM_001852.4(COL9A2):c.303+2T>C

Gene: COL9A2 (collagen type IX alpha 2 chain; minus strand). Cytogenetic location: 1p34.2.
Variant type: single nucleotide variant.
Coding change: c.303+2T>C on transcript NM_001852.4 (MANE Select); the canonical splice donor site of the intron after coding-DNA position 303, T replaced by C.
Molecular consequence: splice donor variant.
Genome position (GRCh38, 1-based): chr1:40,312,729, A>G on the plus strand (T>C on the coding strand, the complement: COL9A2 is on the minus strand). VCF-style: chr1-40312729-A-G. GRCh37 (hg19) VCF-style: chr1-40778401-A-G.
Identifiers: ClinVar variation 1960026 (VCV001960026.6), dbSNP rs764175791, ClinGen allele CA792041.

ClinVar aggregate classification (germline): Conflicting classifications of pathogenicity. Review status: criteria provided, conflicting classifications (1 of 4 stars). 2 submissions from 2 submitters: Likely pathogenic (1); Uncertain significance (1). Last evaluated 2026-01-18.

Conditions:
COL9A2-related disorder. Also called: COL9A2-related condition.

Allele frequency attached by ClinVar (database versions not stated): gnomAD 0.00001; TOPMed 0.00002.
gnomAD v4.1: 3 of 1,555,732 alleles (0.00019%); highest among the groups gnomAD compares: African/African-American, 0.0014%; no homozygotes.

Submissions (2):

Labcorp Genetics (formerly Invitae), Labcorp
Classification: Uncertain significance. Last evaluated: 2026-01-18. Review status: criteria provided, single submitter. Criteria: Invitae Variant Classification Sherloc (09022015). Collection method: clinical testing. Allele origin: germline.
Comment: This sequence change affects a donor splice site in intron 5 of the COL9A2 gene. It is expected to disrupt RNA splicing. Variants that disrupt the donor or acceptor splice site typically lead to a loss of protein function (PMID: 16199547), however the current clinical and genetic evidence is not sufficient to establish whether loss-of-function variants in COL9A2 cause disease. This variant is present in population databases (rs764175791, gnomAD 0.01%). This variant has not been reported in the literature in individuals affected with COL9A2-related conditions. ClinVar contains an entry for this variant (Variation ID: 1960026). Algorithms developed to predict the effect of sequence changes on RNA splicing suggest that this variant may disrupt the consensus splice site. In summary, the available evidence is currently insufficient to determine the role of this variant in disease. Therefore, it has been classified as a Variant of Uncertain Significance.

Blueprint Genetics
Classification: Likely pathogenic for COL9A2-related disorders. Last evaluated: 2019-01-14. Review status: criteria provided, single submitter. Criteria: ACMG Guidelines, 2015. Collection method: clinical testing. Allele origin: germline. Affected: yes. Observed: 1 variant allele.

Literature cited by the submitters: PubMed 16199547 (cited by Labcorp Genetics (formerly Invitae), Labcorp).